The following is an entry in ClinVar:

ClinVar aggregate classification (germline): Benign (1 of 4 stars; one submission).

Conditions:
Cataract 6 multiple types. Also called: CATARACT, AGE-RELATED CORTICAL, 2; CATARACT 6, POSTERIOR POLAR; CATARACT 6, CONGENITAL TOTAL. Identifiers: Orphanet 91492, MedGen C1861825, MONDO:0007288, OMIM 116600.

Allele frequency attached by ClinVar (database versions not stated): ESP Exome Variant Server 0.00031; TOPMed 0.00013.
gnomAD v4.1: 444 of 1,611,722 alleles (0.028%); highest among the groups gnomAD compares: Non-Finnish European, 0.037%; no homozygotes.

Submission:

Illumina Laboratory Services, Illumina
Classification: Benign for Cataract 6 multiple types. Last evaluated: 2018-01-12. Review status: criteria provided, single submitter. Criteria: ICSL Variant Classification Criteria 13 December 2019. Collection method: clinical testing. Allele origin: germline.
Comment: This variant was observed in the ICSL laboratory as part of a predisposition screen in an ostensibly healthy population. It had not been previously curated by ICSL or reported in the Human Gene Mutation Database (HGMD: prior to June 1st, 2018), and was therefore a candidate for classification through an automated scoring system. Utilizing variant allele frequency, disease prevalence and penetrance estimates, and inheritance mode, an automated score was calculated to assess if this variant is too frequent to cause the disease. Based on the score and internal cut-off values, a variant classified as benign is not then subjected to further curation. The score for this variant resulted in a classification of benign for this disease.

NM_004431.5(EPHA2):c.154-5C>T

Gene: EPHA2 (EPH receptor A2; minus strand). Cytogenetic location: 1p36.13.
Variant type: single nucleotide variant.
Coding change: c.154-5C>T on transcript NM_004431.5 (MANE Select); 5 bases into the intron before coding-DNA position 154, C replaced by T.
Molecular consequence: intron variant.
Genome position (GRCh38, 1-based): chr1:16,149,052, G>A on the plus strand (C>T on the coding strand, the complement: EPHA2 is on the minus strand). VCF-style: chr1-16149052-G-A. GRCh37 (hg19) VCF-style: chr1-16475547-G-A.
Other names: c.-9-5C>T (NM_001329090.2).
Identifiers: ClinVar variation 293448 (VCV000293448.5), dbSNP rs369642940, ClinGen allele CA625570.
Genomic context (GRCh38, chr1:16,149,052, plus strand): 5'-CACACGGAGTACATGTAGATCGGCATGTCATTCATGATGTTCTGCATCAGGTCCCACTGT[G>A]GGGGGAAGATACAGGTTAGTGTGGGCAGGTGCCTGGGGAAACTGAGGCCCAGGTGGCAGA-3'